The following is an entry in ClinVar:

NM_000179.3(MSH6):c.261-17T>C

Gene: MSH6 (mutS homolog 6; plus strand). Cytogenetic location: 2p16.3.
Variant type: single nucleotide variant.
Coding change: c.261-17T>C on transcript NM_000179.3 (MANE Select); 17 bases into the intron before coding-DNA position 261, T replaced by C.
Molecular consequence: intron variant. On other transcripts: 5 prime UTR variant (1).
Genome position (GRCh38, 1-based): chr2:47,790,910, T>C. VCF-style: chr2-47790910-T-C. GRCh37 (hg19) VCF-style: chr2-48018049-T-C.
Other names: c.-54T>C (NM_001406830.1); c.261-17T>C (NM_001406809.1, NM_001406796.1, NM_001406813.1 and 6 more transcripts); c.-476-17T>C (NM_001406811.1, NM_001281493.2, NM_001406829.1 and 1 more transcripts); c.-37-17T>C (NM_001406805.1, NM_001406797.1, NM_001406801.1 and 9 more transcripts); c.357-17T>C (NM_001406795.1, NM_001406802.1); c.-668-17T>C (NM_001406807.1); c.-734-17T>C (NM_001406814.1); c.-323-17T>C (NM_001406812.1); and 7 more.
Identifiers: ClinVar variation 3727146 (VCV003727146.3).
Genomic context (GRCh38, chr2:47,790,910, plus strand): 5'-TGTTTATTTGTAGGTAACTGCCTTTAAGGAAACTTGACCAAATATTAACTAAGTTATGTA[T>C]TTCCTTTTGGCAACAGTTGTGACTTCTCACCAGGAGATTTGGTTTGGGCCAAGATGGAGG-3'

ClinVar aggregate classification (germline): Likely benign. Review status: criteria provided, multiple submitters, no conflicts (2 of 4 stars). 2 submissions from 2 submitters: Likely benign (2). Last evaluated 2024-12-18.

Conditions:
Lynch syndrome 5 (LYNCH5). Also called: Hereditary non-polyposis colorectal cancer, type 5; Colorectal cancer, hereditary nonpolyposis, type 5. Identifiers: Orphanet 144, MedGen C1833477, MONDO:0013710, OMIM 614350. Disease mechanism: loss of function.
Hereditary nonpolyposis colorectal neoplasms. Identifiers: MedGen C0009405, MeSH D003123.

Submissions (2):

Myriad Genetics, Inc.
Classification: Likely benign for Lynch syndrome 5. Last evaluated: 2024-12-18. Review status: criteria provided, single submitter. Criteria: Myriad Autosomal Dominant, Autosomal Recessive and X-Linked Classification Criteria (2023). Collection method: clinical testing. Allele origin: unknown.
Comment: This variant is considered likely benign. This variant is intronic and is not expected to impact mRNA splicing.

Labcorp Genetics (formerly Invitae), Labcorp
Classification: Likely benign for Hereditary nonpolyposis colorectal neoplasms. Last evaluated: 2024-12-12. Review status: criteria provided, single submitter. Criteria: Invitae Variant Classification Sherloc (09022015). Collection method: clinical testing. Allele origin: germline.